The following is an entry in ClinVar:

NM_007078.3(LDB3):c.466G>A (p.Ala156Thr)

Gene: LDB3 (LIM domain binding 3; plus strand). Cytogenetic location: 10q23.2.
Variant type: single nucleotide variant.
Coding change: c.466G>A on transcript NM_007078.3 (MANE Select); coding-DNA position 466, G replaced by A.
Protein change: p.Ala156Thr; replaces alanine 156 with threonine.
Molecular consequence: missense variant. On other transcripts: intron variant (5).
Genome position (GRCh38, 1-based): chr10:86,681,580, G>A. VCF-style: chr10-86681580-G-A. GRCh37 (hg19) VCF-style: chr10-88441337-G-A.
Other names: p.A156T:GCC>ACC; c.466G>A, p.Ala156Thr (NM_001080115.2, NM_001171610.2, NM_001171611.2 and 3 more transcripts); c.321+1423G>A (NM_001368068.1, NM_001368066.1, NM_001080114.2 and 2 more transcripts); short protein forms A156T.
Identifiers: ClinVar variation 180399 (VCV000180399.52), dbSNP rs200596619, ClinGen allele CA308609.
Genomic context (GRCh38, chr10:86,681,580, plus strand): 5'-CCGGAGCTCAGGCCCACCTTTAGCCCTGCCTTCTCCCGGCCCTCCGCCTTCTCCTCACTC[G>A]CCGAGGCCTCTGACCCTGGCCCTCCGCGGGCCAGCCTGAGGGCCAAGACCAGCCCAGAGG-3'
Protein context (NP_009009.1, residues 146-166): FSRPSAFSSL[Ala156Thr]EASDPGPPRA

ClinVar aggregate classification (germline): Conflicting classifications of pathogenicity. Review status: criteria provided, conflicting classifications (1 of 4 stars). 13 submissions from 13 submitters: Uncertain significance (1); Benign (2); Likely benign (5). 5 of the submissions do not count toward it. Last evaluated 2025-12-22.

Conditions:
Cardiovascular phenotype. Identifiers: MedGen CN230736.
Myofibrillar myopathy 4. Also called: Zaspopathy (type). Identifiers: Orphanet 98912, MedGen C4721886, MONDO:0012277, OMIM 609452.

Allele frequency attached by ClinVar (database versions not stated): ExAC 0.00067; gnomAD 0.00076 and 0.00082; gnomAD exomes 0.00084; TOPMed 0.00015; 1000 Genomes Project 30x 0.00016; 1000 Genomes Project 0.00020; ESP Exome Variant Server 0.00031.

Submissions (13):

Labcorp Genetics (formerly Invitae), Labcorp
Classification: Benign for Myofibrillar myopathy 4. Last evaluated: 2025-12-22. Review status: criteria provided, single submitter. Criteria: Invitae Variant Classification Sherloc (09022015). Collection method: clinical testing. Allele origin: germline.

Laboratory of Genetics, Children's Clinical University Hospital Latvia
Classification: Likely benign. Last evaluated: 2025-02-16. Review status: criteria provided, single submitter. Criteria: ACMG Guidelines, 2015. Collection method: clinical testing. Allele origin: germline. Affected: yes.

Blueprint Genetics
Classification: Likely benign. Last evaluated: 2024-11-22. Review status: criteria provided, single submitter. Criteria: ACMG Guidelines, 2015. Collection method: clinical testing. Allele origin: germline.

CeGaT Center for Human Genetics Tuebingen
Classification: Benign. Last evaluated: 2022-04-01. Review status: criteria provided, single submitter. Criteria: CeGaT Center For Human Genetics Tuebingen Variant Classification Criteria Version 2. Collection method: clinical testing. Allele origin: germline. Affected: yes. Observed: 1 variant allele.
Comment: LDB3: BP4, BS1, BS2

Molecular Diagnostic Laboratory for Inherited Cardiovascular Disease, Montreal Heart Institute
Classification: Likely benign. Last evaluated: 2020-01-03. Review status: criteria provided, single submitter. Criteria: ACMG Guidelines, 2015. Collection method: clinical testing. Allele origin: germline. Affected: yes.

Ambry Genetics
Classification: Likely benign for Cardiovascular phenotype. Last evaluated: 2018-04-04. Review status: criteria provided, single submitter. Criteria: Ambry Variant Classification Scheme 2023. Collection method: clinical testing. Allele origin: germline.

GeneDx
Classification: Likely benign. Last evaluated: 2017-04-27. Review status: criteria provided, single submitter. Criteria: GeneDx Variant Classification (06012015). Collection method: clinical testing. Allele origin: germline. Affected: yes.
Comment: This variant is considered likely benign or benign based on one or more of the following criteria: it is a conservative change, it occurs at a poorly conserved position in the protein, it is predicted to be benign by multiple in silico algorithms, and/or has population frequency not consistent with disease.

Stanford Center for Inherited Cardiovascular Disease, Stanford University
Classification: Uncertain significance. Review status: criteria provided, single submitter. Criteria: ACMG Guidelines, 2015. Collection method: provider interpretation. Allele origin: germline.

Clinical Genetics DNA and cytogenetics Diagnostics Lab, Erasmus MC, Erasmus Medical Center
Classification: Likely benign. Review status: no assertion criteria provided. Collection method: clinical testing. Allele origin: germline. Affected: yes. Study: VKGL Data-share Consensus. Not counted in ClinVar's aggregate classification.

Clinical Genetics, Academic Medical Center
Classification: Benign. Review status: no assertion criteria provided. Collection method: clinical testing. Allele origin: germline. Affected: yes. Study: VKGL Data-share Consensus. Not counted in ClinVar's aggregate classification.

Diagnostic Laboratory, Department of Genetics, University Medical Center Groningen
Classification: Likely benign. Review status: no assertion criteria provided. Collection method: clinical testing. Allele origin: germline. Affected: yes. Study: VKGL Data-share Consensus. Not counted in ClinVar's aggregate classification.

Genome Diagnostics Laboratory, University Medical Center Utrecht
Classification: Likely benign. Review status: no assertion criteria provided. Collection method: clinical testing. Allele origin: germline. Affected: yes. Study: VKGL Data-share Consensus. Not counted in ClinVar's aggregate classification.

Joint Genome Diagnostic Labs from Nijmegen and Maastricht, Radboudumc and MUMC+
Classification: Likely benign. Review status: no assertion criteria provided. Collection method: clinical testing. Allele origin: germline. Affected: yes. Study: VKGL Data-share Consensus. Not counted in ClinVar's aggregate classification.